The following is an entry in ClinVar:

ClinVar aggregate classification (germline): Uncertain significance (1 of 4 stars; one submission).

Allele frequency attached by ClinVar (database versions not stated): gnomAD exomes below 0.00001.
gnomAD v4.1: 1 of 1,613,992 alleles (0.000062%); highest among the groups gnomAD compares: Non-Finnish European, 0.000085%; no homozygotes.

Submission:

Labcorp Genetics (formerly Invitae), Labcorp
Classification: Uncertain significance. Last evaluated: 2021-08-28. Review status: criteria provided, single submitter. Criteria: Invitae Variant Classification Sherloc (09022015). Collection method: clinical testing. Allele origin: germline.
Comment: In summary, the available evidence is currently insufficient to determine the role of this variant in disease. Therefore, it has been classified as a Variant of Uncertain Significance. Algorithms developed to predict the effect of missense changes on protein structure and function output the following: SIFT: "Tolerated"; PolyPhen-2: "Benign"; Align-GVGD: "Class C0". The serine amino acid residue is found in multiple mammalian species, which suggests that this missense change does not adversely affect protein function. This variant has not been reported in the literature in individuals affected with FLVCR1-related conditions. This variant is not present in population databases (ExAC no frequency). This sequence change replaces asparagine with serine at codon 369 of the FLVCR1 protein (p.Asn369Ser). The asparagine residue is highly conserved and there is a small physicochemical difference between asparagine and serine.

NM_014053.4(FLVCR1):c.1106A>G (p.Asn369Ser)

Gene: FLVCR1 (FLVCR choline and heme transporter 1; plus strand). Cytogenetic location: 1q32.3.
Variant type: single nucleotide variant.
Coding change: c.1106A>G on transcript NM_014053.4 (MANE Select); coding-DNA position 1106, A replaced by G.
Protein change: p.Asn369Ser; replaces asparagine 369 with serine.
Molecular consequence: missense variant.
Genome position (GRCh38, 1-based): chr1:212,885,306, A>G. VCF-style: chr1-212885306-A-G. GRCh37 (hg19) VCF-style: chr1-213058648-A-G.
Other names: short protein forms N369S.
Identifiers: ClinVar variation 1501665 (VCV001501665.6), dbSNP rs1665030067, ClinGen allele CA344792355.
Genomic context (GRCh38, chr1:212,885,306, plus strand): 5'-TAGTTAATCCATTTATTTGATCAACTTCTTACGCAAATTTTTTTCAGGGAGAAGAAGTCA[A>G]TGCTGGAAGGATTGGGCTAACGCTAGTAGTAGCTGGAATGGTGGGCTCTATTCTTTGTGG-3'
Protein context (NP_054772.1, residues 359-379): ILTYYEGEEV[Asn369Ser]AGRIGLTLVV